The following is an entry in ClinVar:

ClinVar aggregate classification (germline): Benign (0 of 4 stars; one submission).

Conditions:
SOX8-related disorder. Also called: SOX8-related condition.

Allele frequency attached by ClinVar (database versions not stated): ESP Exome Variant Server 0.01055; 1000 Genomes Project 30x 0.01421; 1000 Genomes Project 0.01498; ExAC 0.01912.
gnomAD v4.1: 25,627 of 1,602,886 alleles (1.6%); highest among the groups gnomAD compares: South Asian, 4.6%; 308 homozygotes.

Submission:

PreventionGenetics, part of Exact Sciences
Classification: Benign for SOX8-related condition. Last evaluated: 2019-02-22. Review status: no assertion criteria provided. Collection method: clinical testing. Allele origin: germline.
Comment: This variant is classified as benign based on ACMG/AMP sequence variant interpretation guidelines (Richards et al. 2015 PMID: 25741868, with internal and published modifications).

NM_014587.5(SOX8):c.885C>A (p.Ala295=)

Gene: SOX8 (SRY-box transcription factor 8; plus strand). Cytogenetic location: 16p13.3.
Variant type: single nucleotide variant.
Coding change: c.885C>A on transcript NM_014587.5 (MANE Select); coding-DNA position 885, C replaced by A.
Protein change: p.Ala295=; no amino-acid change (alanine 295 retained).
Molecular consequence: synonymous variant.
Genome position (GRCh38, 1-based): chr16:984,930, C>A. VCF-style: chr16-984930-C-A. GRCh37 (hg19) VCF-style: chr16-1034930-C-A.
Identifiers: ClinVar variation 3056097 (VCV003056097.2), dbSNP rs56253414, ClinGen allele CA7798270.